The following is an entry in ClinVar:

NM_000234.3(LIG1):c.1811G>A (p.Arg604His)

Gene: LIG1 (DNA ligase 1; minus strand). Cytogenetic location: 19q13.33.
Variant type: single nucleotide variant.
Coding change: c.1811G>A on transcript NM_000234.3 (MANE Select); coding-DNA position 1811, G replaced by A.
Protein change: p.Arg604His; replaces arginine 604 with histidine.
Molecular consequence: missense variant. On other transcripts: non-coding transcript variant (6).
Genome position (GRCh38, 1-based): chr19:48,131,086, C>T on the plus strand (G>A on the coding strand, the complement: LIG1 is on the minus strand). VCF-style: chr19-48131086-C-T. GRCh37 (hg19) VCF-style: chr19-48634343-C-T.
Other names: c.1718G>A, p.Arg573His (NM_001289063.2); c.1607G>A, p.Arg536His (NM_001289064.2); c.1808G>A, p.Arg603His (NM_001320970.2); c.1721G>A, p.Arg574His (NM_001320971.2); short protein forms R536H, R573H, R603H, R604H, R574H.
Identifiers: ClinVar variation 1437900 (VCV001437900.7), dbSNP rs766516122, ClinGen allele CA9546701.
Genomic context (GRCh38, chr19:48,131,086, plus strand): 5'-ACCCCTGACCACAGACCCTGGCAGAGTGCAAGTGTGTGGCAGACGCCCACCTTGGGGATG[C>T]GGCTGATGATGTCCGGGTACTTCCCAGTGTTGTCTTCCTGATTCCTGCTGAAGATCTTCA-3'
Protein context (NP_000225.1, residues 594-614): NTGKYPDIIS[Arg604His]IPKIKLPSVT

ClinVar aggregate classification (germline): Uncertain significance (1 of 4 stars; one submission).

Allele frequency attached by ClinVar (database versions not stated): ExAC 0.00001; gnomAD 0.00001; gnomAD exomes 0.00001 and 0.00002; TOPMed 0.00001.
gnomAD v4.1: 10 of 1,613,622 alleles (0.00062%); highest among the groups gnomAD compares: East Asian, 0.0022%; no homozygotes.

Submission:

Labcorp Genetics (formerly Invitae), Labcorp
Classification: Uncertain significance. Last evaluated: 2021-08-11. Review status: criteria provided, single submitter. Criteria: Invitae Variant Classification Sherloc (09022015). Collection method: clinical testing. Allele origin: germline.
Comment: In summary, the available evidence is currently insufficient to determine the role of this variant in disease. Therefore, it has been classified as a Variant of Uncertain Significance. Algorithms developed to predict the effect of missense changes on protein structure and function are either unavailable or do not agree on the potential impact of this missense change (SIFT: "Deleterious"; PolyPhen-2: "Probably Damaging"; Align-GVGD: "Class C0"). This variant has not been reported in the literature in individuals affected with LIG1-related conditions. This variant is present in population databases (rs766516122, ExAC 0.009%). This sequence change replaces arginine with histidine at codon 604 of the LIG1 protein (p.Arg604His). The arginine residue is highly conserved and there is a small physicochemical difference between arginine and histidine.